The following is an entry in ClinVar:

NM_001267550.2(TTN):c.14828C>A (p.Ala4943Glu)

Gene: TTN (titin; minus strand). Cytogenetic location: 2q31.2.
Variant type: single nucleotide variant.
Coding change: c.14828C>A on transcript NM_001267550.2 (MANE Select); coding-DNA position 14828, C replaced by A.
Protein change: p.Ala4943Glu; replaces alanine 4943 with glutamic acid.
Molecular consequence: missense variant. On other transcripts: intron variant (3).
Genome position (GRCh38, 1-based): chr2:178,735,618, G>T on the plus strand (C>A on the coding strand, the complement: TTN is on the minus strand). VCF-style: chr2-178735618-G-T. GRCh37 (hg19) VCF-style: chr2-179600345-G-T.
Other names: c.11096C>A, p.Ala3699Glu (NM_133378.4); c.13877C>A, p.Ala4626Glu (NM_001256850.1); c.13282+2464C>A (NM_003319.4); c.13858+2464C>A (NM_133437.4); c.13657+2464C>A (NM_133432.3); short protein forms A3699E, A4943E, A4626E.
Identifiers: ClinVar variation 179195 (VCV000179195.12), dbSNP rs540497678, ClinGen allele CA183931.
Genomic context (GRCh38, chr2:178,735,618, plus strand): 5'-GAAGCTGTACAGACATAGGTTCCTGAATCTTTCAGTTTGGCCAAAGGAATCTCAAGTGTT[G>T]CTATTTTATCTTCAAAACAGATCTTATAATCTTTCCCTGGGGGGAGTTTTTGCCCATCTT-3'
Protein context (NP_001254479.2, residues 4933-4953): DYKICFEDKI[Ala4943Glu]TLEIPLAKLK

ClinVar aggregate classification (germline): Uncertain significance. Review status: criteria provided, multiple submitters, no conflicts (2 of 4 stars). 4 submissions from 4 submitters: Uncertain significance (4). Last evaluated 2025-04-21.

Allele frequency attached by ClinVar (database versions not stated): gnomAD exomes 0.00004 and 0.00008; gnomAD below 0.00001 and 0.00003; ExAC 0.00009; 1000 Genomes Project 30x 0.00016; 1000 Genomes Project 0.00020.
gnomAD v4.1: 58 of 1,613,622 alleles (0.0036%); highest among the groups gnomAD compares: South Asian, 0.063%; no homozygotes.

Submissions (4):

Mayo Clinic Laboratories, Mayo Clinic
Classification: Uncertain significance. Last evaluated: 2025-04-21. Review status: criteria provided, single submitter. Criteria: ACMG Guidelines, 2015. Collection method: clinical testing. Allele origin: germline. Observed: 1 variant allele.

Revvity Omics, Revvity
Classification: Uncertain significance. Last evaluated: 2023-06-07. Review status: criteria provided, single submitter. Criteria: ACMG Guidelines, 2015. Collection method: clinical testing. Allele origin: germline.

Eurofins Ntd Llc (ga)
Classification: Uncertain significance. Last evaluated: 2018-03-20. Review status: criteria provided, single submitter. Criteria: EGL ClinVar v180209 classification definitions. Collection method: clinical testing. Allele origin: germline. Observed: 1 variant allele, 1 heterozygote.

Laboratory for Molecular Medicine, Mass General Brigham Personalized Medicine
Classification: Uncertain significance. Last evaluated: 2013-08-11. Review status: criteria provided, single submitter. Criteria: LMM Criteria. Collection method: clinical testing. Allele origin: germline. Observed: 1 variant allele.
Comment: The Ala3699Glu variant in TTN has not been reported in individuals with cardiomy opathy or in large population studies. Computational analyses (biochemical amino acid properties, conservation, AlignGVGD, PolyPhen2, and SIFT) do not provide s trong support for or against an impact to the protein. Additional information is needed to fully assess the clinical significance of this variant.